The following is an entry in ClinVar:

NM_004484.4(GPC3):c.227A>G (p.Lys76Arg)

Gene: GPC3 (glypican 3; minus strand). Cytogenetic location: Xq26.2.
Variant type: single nucleotide variant.
Coding change: c.227A>G on transcript NM_004484.4 (MANE Select); coding-DNA position 227, A replaced by G.
Protein change: p.Lys76Arg; replaces lysine 76 with arginine.
Molecular consequence: missense variant. On other transcripts: intron variant (1).
Genome position (GRCh38, 1-based): chrX:133,953,160, T>C on the plus strand (A>G on the coding strand, the complement: GPC3 is on the minus strand). VCF-style: chrX-133953160-T-C. GRCh37 (hg19) VCF-style: chrX-133087187-T-C.
Other names: c.227A>G, p.Lys76Arg (NM_001164617.2, NM_001164618.2); c.175+32115A>G (NM_001164619.2); short protein forms K76R.
Identifiers: ClinVar variation 2180703 (VCV002180703.4), dbSNP rs2521895745, ClinGen allele CA414707516.

ClinVar aggregate classification (germline): Uncertain significance (1 of 4 stars; one submission).

Conditions:
Wilms tumor 1 (WT1). Also called: Wilms tumor, somatic. Identifiers: Orphanet 654, MedGen CN033288, MONDO:0008679, OMIM 194070.

Submission:

Labcorp Genetics (formerly Invitae), Labcorp
Classification: Uncertain significance for Wilms tumor 1. Last evaluated: 2022-04-05. Review status: criteria provided, single submitter. Criteria: Invitae Variant Classification Sherloc (09022015). Collection method: clinical testing. Allele origin: germline.
Comment: In summary, the available evidence is currently insufficient to determine the role of this variant in disease. Therefore, it has been classified as a Variant of Uncertain Significance. Algorithms developed to predict the effect of missense changes on protein structure and function (SIFT, PolyPhen-2, Align-GVGD) all suggest that this variant is likely to be tolerated. This variant has not been reported in the literature in individuals affected with GPC3-related conditions. This variant is not present in population databases (gnomAD no frequency). This sequence change replaces lysine, which is basic and polar, with arginine, which is basic and polar, at codon 76 of the GPC3 protein (p.Lys76Arg).